The following is an entry in ClinVar:

NM_001353694.2(TIAM1):c.4342C>T (p.Arg1448Trp)

Gene: TIAM1 (TIAM Rac1 associated GEF 1; minus strand). Cytogenetic location: 21q22.11.
Variant type: single nucleotide variant.
Coding change: c.4342C>T on transcript NM_001353694.2 (MANE Select); coding-DNA position 4342, C replaced by T.
Protein change: p.Arg1448Trp; replaces arginine 1448 with tryptophan.
Molecular consequence: missense variant.
Genome position (GRCh38, 1-based): chr21:31,120,802, G>A on the plus strand (C>T on the coding strand, the complement: TIAM1 is on the minus strand). VCF-style: chr21-31120802-G-A. GRCh37 (hg19) VCF-style: chr21-32493120-G-A.
Other names: c.1441C>T, p.Arg481Trp (NM_001353684.2); c.1366C>T, p.Arg456Trp (NM_001353685.2); c.4267C>T, p.Arg1423Trp (NM_001353686.2, NM_001353687.2); c.4342C>T, p.Arg1448Trp (NM_001353688.1, NM_001353689.1, NM_001353690.1 and 4 more transcripts); short protein forms R1423W, R1448W, R456W, R481W.
Identifiers: ClinVar variation 3239063 (VCV003239063.19), dbSNP rs142900370.

ClinVar aggregate classification (germline): Uncertain significance (1 of 4 stars; one submission).

Allele frequency attached by ClinVar (database versions not stated): TOPMed 0.00026; ESP Exome Variant Server 0.00031; gnomAD 0.00039; ExAC 0.00085.
gnomAD v4.1: 1,008 of 1,613,114 alleles (0.062%); highest among the groups gnomAD compares: Non-Finnish European, 0.074%; 1 homozygote.

Submission:

CeGaT Center for Human Genetics Tuebingen
Classification: Uncertain significance. Last evaluated: 2024-05-01. Review status: criteria provided, single submitter. Criteria: CeGaT Center For Human Genetics Tuebingen Variant Classification Criteria Version 2. Collection method: clinical testing. Allele origin: germline. Affected: yes. Observed: 1 variant allele.
Comment: TIAM1: PM2